The following is an entry in ClinVar:

ClinVar aggregate classification (germline): Uncertain significance. Review status: criteria provided, multiple submitters, no conflicts (2 of 4 stars). 2 submissions from 2 submitters: Uncertain significance (2). Last evaluated 2024-06-07.

Conditions:
Cardiovascular phenotype. Identifiers: MedGen CN230736.

gnomAD v4.1: 44 of 1,539,872 alleles (0.0029%); highest among the groups gnomAD compares: South Asian, 0.0036%; no homozygotes.

Submissions (2):

Ambry Genetics
Classification: Uncertain significance for Cardiovascular phenotype. Last evaluated: 2024-06-07. Review status: criteria provided, single submitter. Criteria: Ambry Variant Classification Scheme 2023. Collection method: clinical testing. Allele origin: germline.
Comment: The p.P3431L variant (also known as c.10292C>T), located in coding exon 2 of the ZNF469 gene, results from a C to T substitution at nucleotide position 10292. The proline at codon 3431 is replaced by leucine, an amino acid with similar properties. This amino acid position is conserved. In addition, this alteration is predicted to be tolerated by in silico analysis. Based on the available evidence, the clinical significance of this variant remains unclear.

Mayo Clinic Laboratories, Mayo Clinic
Classification: Uncertain significance. Last evaluated: 2024-02-14. Review status: criteria provided, single submitter. Criteria: ACMG Guidelines, 2015. Collection method: clinical testing. Allele origin: germline. Observed: 1 variant allele.
Comment: BP4, PM2

NM_001367624.2(ZNF469):c.10376C>T (p.Pro3459Leu)

Gene: ZNF469 (zinc finger protein 469; plus strand). Cytogenetic location: 16q24.2.
Variant type: single nucleotide variant.
Coding change: c.10376C>T on transcript NM_001367624.2 (MANE Select); coding-DNA position 10376, C replaced by T.
Protein change: p.Pro3459Leu; replaces proline 3459 with leucine.
Molecular consequence: missense variant.
Genome position (GRCh38, 1-based): chr16:88,437,846, C>T. VCF-style: chr16-88437846-C-T. GRCh37 (hg19) VCF-style: chr16-88504254-C-T.
Other names: NM_001127464.1:c.10292C>T; p.Pro3459Leu; short protein forms P3459L.
Identifiers: ClinVar variation 3258279 (VCV003258279.2).